The following is an entry in ClinVar:

NM_002230.4(JUP):c.1266C>T (p.Asn422=)

Gene: JUP (junction plakoglobin; minus strand). Cytogenetic location: 17q21.2.
Variant type: single nucleotide variant.
Coding change: c.1266C>T on transcript NM_002230.4 (MANE Select); coding-DNA position 1266, C replaced by T.
Protein change: p.Asn422=; no amino-acid change (asparagine 422 retained).
Molecular consequence: synonymous variant.
Genome position (GRCh38, 1-based): chr17:41,763,214, G>A on the plus strand (C>T on the coding strand, the complement: JUP is on the minus strand). VCF-style: chr17-41763214-G-A. GRCh37 (hg19) VCF-style: chr17-39919466-G-A.
Other names: c.1266C>T, p.Asn422= (NM_001352773.2, NM_001352774.2, NM_001352775.2 and 3 more transcripts).
Identifiers: ClinVar variation 390358 (VCV000390358.1), dbSNP rs1057523741, ClinGen allele CA16608415.
Genomic context (GRCh38, chr17:41,763,214, plus strand): 5'-GATGGCATGGATGAGAGCCTCCACACCGCTGTTCTGTGTCACCAGCGTCTTGTTCTTGCT[G>A]TTGTTGCATGTCAGGTTGGAGAGTGTGCCCGTGGCACAGGTGAGGACGTTGACGTCATCC-3'
Protein context (NP_002221.1, residues 412-432): TGTLSNLTCN[Asn422=]SKNKTLVTQN

ClinVar aggregate classification (germline): Likely benign (1 of 4 stars; one submission).

Allele frequency attached by ClinVar (database versions not stated): gnomAD exomes below 0.00001; TOPMed below 0.00001.
gnomAD v4.1: 1 of 1,614,258 alleles (0.000062%); highest among the groups gnomAD compares: African/African-American, 0.0013%; no homozygotes.

Submission:

GeneDx
Classification: Likely benign. Last evaluated: 2016-11-01. Review status: criteria provided, single submitter. Criteria: GeneDx Variant Classification (06012015). Collection method: clinical testing. Allele origin: germline. Affected: yes.
Comment: This variant is considered likely benign or benign based on one or more of the following criteria: it is a conservative change, it occurs at a poorly conserved position in the protein, it is predicted to be benign by multiple in silico algorithms, and/or has population frequency not consistent with disease.